The following is an entry in ClinVar:

ClinVar aggregate classification (germline): Uncertain significance (1 of 4 stars; one submission).

Allele frequency attached by ClinVar (database versions not stated): TOPMed below 0.00001.

Submission:

Labcorp Genetics (formerly Invitae), Labcorp
Classification: Uncertain significance. Last evaluated: 2025-10-29. Review status: criteria provided, single submitter. Criteria: Invitae Variant Classification Sherloc (09022015). Collection method: clinical testing. Allele origin: germline.
Comment: This sequence change falls in intron 39 of the MTOR gene. It does not directly change the encoded amino acid sequence of the MTOR protein. It affects a nucleotide within the consensus splice site. This variant is not present in population databases (gnomAD no frequency). This variant has not been reported in the literature in individuals affected with MTOR-related conditions. ClinVar contains an entry for this variant (Variation ID: 1998241). Variants that disrupt the consensus splice site are a relatively common cause of aberrant splicing (PMID: 17576681, 9536098). Algorithms developed to predict the effect of sequence changes on RNA splicing suggest that this variant is not likely to affect RNA splicing. In summary, the available evidence is currently insufficient to determine the role of this variant in disease. Therefore, it has been classified as a Variant of Uncertain Significance.

Literature cited by the submitters: PubMed 17576681; PubMed 9536098.

NM_004958.4(MTOR):c.5613+6C>T

Gene: MTOR (mechanistic target of rapamycin kinase; minus strand). Cytogenetic location: 1p36.22.
Variant type: single nucleotide variant.
Coding change: c.5613+6C>T on transcript NM_004958.4 (MANE Select); 6 bases into the intron after coding-DNA position 5613, C replaced by T.
Molecular consequence: intron variant.
Genome position (GRCh38, 1-based): chr1:11,130,523, G>A on the plus strand (C>T on the coding strand, the complement: MTOR is on the minus strand). VCF-style: chr1-11130523-G-A. GRCh37 (hg19) VCF-style: chr1-11190580-G-A.
Other names: c.4365+6C>T (NM_001386501.1); c.5613+6C>T (NM_001386500.1).
Identifiers: ClinVar variation 1998241 (VCV001998241.4), dbSNP rs901872957, ClinGen allele CA17943368.